The following is an entry in ClinVar:

NM_016138.5(COQ7):c.388G>A (p.Gly130Arg)

Gene: COQ7 (coenzyme Q7, hydroxylase; plus strand). Cytogenetic location: 16p12.3.
Variant type: single nucleotide variant.
Coding change: c.388G>A on transcript NM_016138.5 (MANE Select); coding-DNA position 388, G replaced by A.
Protein change: p.Gly130Arg; replaces glycine 130 with arginine.
Molecular consequence: missense variant. On other transcripts: non-coding transcript variant (3).
Genome position (GRCh38, 1-based): chr16:19,075,741, G>A. VCF-style: chr16-19075741-G-A. GRCh37 (hg19) VCF-style: chr16-19087063-G-A.
Other names: c.274G>A, p.Gly92Arg (NM_001190983.2, NM_001370492.1, NM_001370493.1 and 2 more transcripts); c.346G>A, p.Gly116Arg (NM_001370489.1, NM_001370491.1); c.388G>A, p.Gly130Arg (NM_001370490.1); short protein forms G116R, G130R, G92R.
Identifiers: ClinVar variation 2414960 (VCV002414960.6), dbSNP rs541583913, ClinGen allele CA7933013.

ClinVar aggregate classification (germline): Uncertain significance (1 of 4 stars; one submission).

Allele frequency attached by ClinVar (database versions not stated): gnomAD exomes 0.00001; TOPMed 0.00001; ExAC 0.00003; gnomAD 0.00003; 1000 Genomes Project 30x 0.00016; 1000 Genomes Project 0.00020.

Submission:

Labcorp Genetics (formerly Invitae), Labcorp
Classification: Uncertain significance. Last evaluated: 2024-02-24. Review status: criteria provided, single submitter. Criteria: Invitae Variant Classification Sherloc (09022015). Collection method: clinical testing. Allele origin: germline.
Comment: This sequence change replaces glycine, which is neutral and non-polar, with arginine, which is basic and polar, at codon 130 of the COQ7 protein (p.Gly130Arg). This variant is present in population databases (rs541583913, gnomAD 0.02%). This variant has not been reported in the literature in individuals affected with COQ7-related conditions. ClinVar contains an entry for this variant (Variation ID: 2414960). An algorithm developed to predict the effect of missense changes on protein structure and function (PolyPhen-2) suggests that this variant is likely to be disruptive. In summary, the available evidence is currently insufficient to determine the role of this variant in disease. Therefore, it has been classified as a Variant of Uncertain Significance.